The following is an entry in ClinVar:

ClinVar aggregate classification (germline): Uncertain significance (1 of 4 stars; one submission).

Conditions:
Osteogenesis imperfecta type I (OI1). Also called: Lobstein's Disease; OI, TYPE I; OSTEOGENESIS IMPERFECTA TARDA; OSTEOGENESIS IMPERFECTA WITH BLUE SCLERAE; Osteogenesis imperfecta type 1; Lobstein disease. Identifiers: Orphanet 216796, Orphanet 666, MedGen C0023931, MONDO:0008146, OMIM 166200. Disease mechanism: loss of function.

Allele frequency attached by ClinVar (database versions not stated): gnomAD exomes below 0.00001.
gnomAD v4.1: 2 of 1,614,178 alleles (0.00012%); highest among the groups gnomAD compares: South Asian, 0.0011%; no homozygotes.

Submission:

Labcorp Genetics (formerly Invitae), Labcorp
Classification: Uncertain significance for Osteogenesis imperfecta type I. Last evaluated: 2023-07-07. Review status: criteria provided, single submitter. Criteria: Invitae Variant Classification Sherloc (09022015). Collection method: clinical testing. Allele origin: germline.
Comment: This sequence change replaces glycine, which is neutral and non-polar, with serine, which is neutral and polar, at codon 66 of the COL1A1 protein (p.Gly66Ser). This variant is present in population databases (no rsID available, gnomAD 0.003%). This variant has not been reported in the literature in individuals affected with COL1A1-related conditions. ClinVar contains an entry for this variant (Variation ID: 1374878). Advanced modeling of protein sequence and biophysical properties (such as structural, functional, and spatial information, amino acid conservation, physicochemical variation, residue mobility, and thermodynamic stability) has been performed at Invitae for this missense variant, however the output from this modeling did not meet the statistical confidence thresholds required to predict the impact of this variant on COL1A1 protein function. In summary, the available evidence is currently insufficient to determine the role of this variant in disease. Therefore, it has been classified as a Variant of Uncertain Significance.

NM_000088.4(COL1A1):c.196G>A (p.Gly66Ser)

Gene: COL1A1 (collagen type I alpha 1 chain; minus strand). Cytogenetic location: 17q21.33.
Variant type: single nucleotide variant.
Coding change: c.196G>A on transcript NM_000088.4 (MANE Select); coding-DNA position 196, G replaced by A.
Protein change: p.Gly66Ser; replaces glycine 66 with serine.
Molecular consequence: missense variant.
Genome position (GRCh38, 1-based): chr17:50,199,855, C>T on the plus strand (G>A on the coding strand, the complement: COL1A1 is on the minus strand). VCF-style: chr17-50199855-C-T. GRCh37 (hg19) VCF-style: chr17-48277216-C-T.
Other names: short protein forms G66S.
Identifiers: ClinVar variation 1374878 (VCV001374878.8), dbSNP rs1240249424, ClinGen allele CA400228395.
Genomic context (GRCh38, chr17:50,199,855, plus strand): 5'-CTTCGGCGCCGGGGCAGTTCTTGGTCTCGTCACAGATCACGTCATCGCACAACACCTTGC[C>T]GTTGTCGCAGACGCAGATCCGGCAGGGCTCGGGTTTCCACACGTCTCGGTCATGGTACCT-3'
Protein context (NP_000079.2, residues 56-76): EPCRICVCDN[Gly66Ser]KVLCDDVICD